The following is an entry in ClinVar:

NM_001103.4(ACTN2):c.311T>A (p.Leu104Ter)

Gene: ACTN2 (actinin alpha 2; plus strand). Cytogenetic location: 1q43.
Variant type: single nucleotide variant.
Coding change: c.311T>A on transcript NM_001103.4 (MANE Select); coding-DNA position 311, T replaced by A.
Protein change: p.Leu104Ter; replaces leucine 104 with a stop codon.
Molecular consequence: nonsense. On other transcripts: 5 prime UTR variant (1).
Genome position (GRCh38, 1-based): chr1:236,718,963, T>A. VCF-style: chr1-236718963-T-A. GRCh37 (hg19) VCF-style: chr1-236882263-T-A.
Other names: c.311T>A, p.Leu104Ter (NM_001278343.2); c.-511T>A (NM_001278344.2); short protein forms L104*.
Identifiers: ClinVar variation 1333296 (VCV001333296.1), dbSNP rs2102894883, ClinGen allele CA345373595.

ClinVar aggregate classification (germline): Likely pathogenic (1 of 4 stars; one submission).

Conditions:
Dilated cardiomyopathy 1AA (CMD1AA). Also called: CARDIOMYOPATHY, DILATED, 1AA, WITH OR WITHOUT LEFT VENTRICULAR NONCOMPACTION; CARDIOMYOPATHY, FAMILIAL HYPERTROPHIC, 23, WITH OR WITHOUT LEFT VENTRICULAR NONCOMPACTION; Cardiomyopathy, dilated, 1AA, with or without LVNC. Identifiers: Orphanet 154, MedGen C2677338, MONDO:0012808, OMIM 612158.

Submission:

3billion
Classification: Likely pathogenic for Dilated cardiomyopathy 1AA. Last evaluated: 2022-01-03. Review status: criteria provided, single submitter. Criteria: ACMG Guidelines, 2015. Collection method: clinical testing. Allele origin: germline. Affected: yes. Observed: 1 heterozygote.
Comment: Stop-gained (nonsense): predicted to result in a loss or disruption of normal protein function through nonsense-mediated decay (NMD) or protein truncation. Multiple pathogenic variants are reported downstream of the variant (PVS1_VS). It is not observed in the gnomAD v2.1.1 dataset (PM2_M). Therefore, this variant is classified as likely pathogenic according to the recommendation of ACMG/AMP guideline.